The following is an entry in ClinVar:

NM_013339.4(ALG6):c.410A>T (p.Glu137Val)

Gene: ALG6 (ALG6 alpha-1,3-glucosyltransferase; plus strand). Cytogenetic location: 1p31.3.
Variant type: single nucleotide variant.
Coding change: c.410A>T on transcript NM_013339.4 (MANE Select); coding-DNA position 410, A replaced by T.
Protein change: p.Glu137Val; replaces glutamic acid 137 with valine.
Molecular consequence: missense variant.
Genome position (GRCh38, 1-based): chr1:63,406,380, A>T. VCF-style: chr1-63406380-A-T. GRCh37 (hg19) VCF-style: chr1-63872051-A-T.
Other names: short protein forms E137V.
Identifiers: ClinVar variation 1994529 (VCV001994529.4), dbSNP rs2523735568, ClinGen allele CA340634604.

ClinVar aggregate classification (germline): Uncertain significance (1 of 4 stars; one submission).

Conditions:
ALG6-congenital disorder of glycosylation 1C (CDG1C). Also called: Congenital disorder of glycosylation, type Ic; CARBOHYDRATE-DEFICIENT GLYCOPROTEIN SYNDROME, TYPE I, WITH DEFICIENT GLYCOSYLATION OF DOLICHOL-LINKED OLIGOSACCHARIDE; CARBOHYDRATE-DEFICIENT GLYCOPROTEIN SYNDROME, TYPE V; Congenital disorder of glycosylation type 1C; CDG Ic. Identifiers: Orphanet 79320, MedGen C2930997, MONDO:0011291, OMIM 603147.

Submission:

Labcorp Genetics (formerly Invitae), Labcorp
Classification: Uncertain significance for ALG6-congenital disorder of glycosylation 1C. Last evaluated: 2022-05-15. Review status: criteria provided, single submitter. Criteria: Invitae Variant Classification Sherloc (09022015). Collection method: clinical testing. Allele origin: germline.
Comment: This variant is not present in population databases (gnomAD no frequency). In summary, the available evidence is currently insufficient to determine the role of this variant in disease. Therefore, it has been classified as a Variant of Uncertain Significance. Algorithms developed to predict the effect of sequence changes on RNA splicing suggest that this variant may disrupt the consensus splice site. Algorithms developed to predict the effect of missense changes on protein structure and function (SIFT, PolyPhen-2, Align-GVGD) all suggest that this variant is likely to be tolerated. This variant has not been reported in the literature in individuals affected with ALG6-related conditions. This sequence change replaces glutamic acid, which is acidic and polar, with valine, which is neutral and non-polar, at codon 137 of the ALG6 protein (p.Glu137Val).